The following is an entry in ClinVar:

Single allele

Gene: GATA2 (GATA binding protein 2; minus strand). Cytogenetic location: 3q21.3.
Variant type: Deletion.
Identifiers: ClinVar variation 1183993 (VCV001183993.1).

ClinVar aggregate classification (germline): Pathogenic (1 of 4 stars; one submission).

Conditions:
Deafness-lymphedema-leukemia syndrome. Also called: Emberger syndrome; Lymphedema, primary, with myelodysplasia. Identifiers: Orphanet 3226, MedGen C3279664, MONDO:0013540, OMIM 614038.
GATA2 deficiency with susceptibility to MDS/AML. Identifiers: MedGen CN300066, MONDO:0042982.

Submission:

Molecular Pathology Research Laboratory, SA Pathology
Classification: Pathogenic for GATA2 deficiency with susceptibility to MDS/AML; Deafness-lymphedema-leukemia syndrome. Last evaluated: 2021-07-06. Review status: criteria provided, single submitter. Criteria: ACMG Guidelines, 2015. Collection method: curation. Allele origin: germline. Inheritance: Autosomal dominant inheritance. Affected: yes. Observed: 1 variant allele.
Comment: PVS1, PS4_Supporting, PM2

Literature cited by the submitters: PubMed 33510405.